The following is an entry in ClinVar:

NM_018163.3(DNAJC17):c.410G>C (p.Arg137Pro)

Gene: DNAJC17 (DnaJ heat shock protein family (Hsp40) member C17; minus strand). Cytogenetic location: 15q15.1.
Variant type: single nucleotide variant.
Coding change: c.410G>C on transcript NM_018163.3 (MANE Select); coding-DNA position 410, G replaced by C.
Protein change: p.Arg137Pro; replaces arginine 137 with proline.
Molecular consequence: missense variant.
Genome position (GRCh38, 1-based): chr15:40,776,264, C>G on the plus strand (G>C on the coding strand, the complement: DNAJC17 is on the minus strand). VCF-style: chr15-40776264-C-G. GRCh37 (hg19) VCF-style: chr15-41068462-C-G.
Other names: short protein forms R137P.
Identifiers: ClinVar variation 2750280 (VCV002750280.3), dbSNP rs549170424, ClinGen allele CA391764206.

ClinVar aggregate classification (germline): Uncertain significance (1 of 4 stars; one submission).

Submission:

Labcorp Genetics (formerly Invitae), Labcorp
Classification: Uncertain significance. Last evaluated: 2023-08-04. Review status: criteria provided, single submitter. Criteria: Invitae Variant Classification Sherloc (09022015). Collection method: clinical testing. Allele origin: germline.
Comment: An algorithm developed to predict the effect of missense changes on protein structure and function (PolyPhen-2) suggests that this variant is likely to be tolerated. This sequence change replaces arginine, which is basic and polar, with proline, which is neutral and non-polar, at codon 137 of the DNAJC17 protein (p.Arg137Pro). This variant is not present in population databases (gnomAD no frequency). This variant has not been reported in the literature in individuals affected with DNAJC17-related conditions. In summary, the available evidence is currently insufficient to determine the role of this variant in disease. Therefore, it has been classified as a Variant of Uncertain Significance.